The following is an entry in ClinVar:

ClinVar aggregate classification (germline): Uncertain significance (1 of 4 stars; one submission).

Conditions:
Epileptic encephalopathy. Identifiers: MedGen C0543888, HP:0200134.

Allele frequency attached by ClinVar (database versions not stated): gnomAD 0.00004 and 0.00005; TOPMed 0.00009; gnomAD exomes 0.00006; ExAC 0.00004.
gnomAD v4.1: 74 of 1,613,548 alleles (0.0046%); highest among the groups gnomAD compares: Admixed American, 0.013%; no homozygotes.

Submission:

Labcorp Genetics (formerly Invitae), Labcorp
Classification: Uncertain significance for Epileptic encephalopathy. Last evaluated: 2024-08-13. Review status: criteria provided, single submitter. Criteria: Invitae Variant Classification Sherloc (09022015). Collection method: clinical testing. Allele origin: germline.
Comment: This sequence change falls in intron 80 of the RYR3 gene. It does not directly change the encoded amino acid sequence of the RYR3 protein. It affects a nucleotide within the consensus splice site. This variant is present in population databases (rs758261396, gnomAD 0.01%). This variant has not been reported in the literature in individuals affected with RYR3-related conditions. ClinVar contains an entry for this variant (Variation ID: 864818). Variants that disrupt the consensus splice site are a relatively common cause of aberrant splicing (PMID: 17576681, 9536098). Algorithms developed to predict the effect of sequence changes on RNA splicing suggest that this variant is not likely to affect RNA splicing. In summary, the available evidence is currently insufficient to determine the role of this variant in disease. Therefore, it has been classified as a Variant of Uncertain Significance.

Literature cited by the submitters: PubMed 17576681; PubMed 9536098.

NM_001036.6(RYR3):c.10995+6G>A

Gene: RYR3 (ryanodine receptor 3; plus strand). Cytogenetic location: 15q14.
Variant type: single nucleotide variant.
Coding change: c.10995+6G>A on transcript NM_001036.6 (MANE Select); 6 bases into the intron after coding-DNA position 10995, G replaced by A.
Molecular consequence: intron variant.
Genome position (GRCh38, 1-based): chr15:33,821,608, G>A. VCF-style: chr15-33821608-G-A. GRCh37 (hg19) VCF-style: chr15-34113809-G-A.
Other names: c.10980+6G>A (NM_001243996.4).
Identifiers: ClinVar variation 864818 (VCV000864818.7), dbSNP rs758261396, ClinGen allele CA7461067.